The following is an entry in ClinVar:

NM_052844.4(DYNC2I2):c.1013C>T (p.Thr338Met)

Genes: DYNC2I2 (dynein 2 intermediate chain 2; minus strand), LOC126860772 (CDK7 strongly-dependent group 2 enhancer GRCh37_chr9:131396972-131398171; plus strand). Cytogenetic location: 9q34.11.
Variant type: single nucleotide variant.
Coding change: c.1013C>T on transcript NM_052844.4 (MANE Select); coding-DNA position 1013, C replaced by T.
Protein change: p.Thr338Met; replaces threonine 338 with methionine.
Molecular consequence: missense variant.
Genome position (GRCh38, 1-based): chr9:128,634,890, G>A on the plus strand (C>T on the coding strand, the complement: DYNC2I2 is on the minus strand). VCF-style: chr9-128634890-G-A. GRCh37 (hg19) VCF-style: chr9-131397169-G-A.
Other names: short protein forms T338M.
Identifiers: ClinVar variation 842076 (VCV000842076.7), dbSNP rs1453406506, ClinGen allele CA375113979.
Genomic context (GRCh38, chr9:128,634,890, plus strand): 5'-AAGCCGCCTTCCGTGCCCAGAATGAACAGCCTAGGGTCAAAGCTGGAGAAGGCCACTGCC[G>A]TGGCGCCCACCTCGGTCTCCCCGCGGGGATGCTGTGGAGAAATGGCAGCAGCAGGGTCAG-3'
Protein context (NP_443076.2, residues 328-348): HPRGETEVGA[Thr338Met]AVAFSSFDPR

ClinVar aggregate classification (germline): Uncertain significance. Review status: criteria provided, multiple submitters, no conflicts (2 of 4 stars). 2 submissions from 2 submitters: Uncertain significance (2). Last evaluated 2024-10-29.

Conditions:
Short-rib thoracic dysplasia 11 with or without polydactyly (SRTD11). Also called: SHORT-RIB THORACIC DYSPLASIA 11 WITHOUT POLYDACTYLY. Identifiers: Orphanet 474, Orphanet 93271, MedGen C3810200, MONDO:0014287, OMIM 615633.
Inborn genetic diseases. Identifiers: MedGen C0950123, MeSH D030342.

Allele frequency attached by ClinVar (database versions not stated): gnomAD exomes 0.00001; TOPMed 0.00006.
gnomAD v4.1: 18 of 1,613,080 alleles (0.0011%); highest among the groups gnomAD compares: Admixed American, 0.0033%; no homozygotes.

Submissions (2):

Labcorp Genetics (formerly Invitae), Labcorp
Classification: Uncertain significance for Short-rib thoracic dysplasia 11 with or without polydactyly. Last evaluated: 2024-10-29. Review status: criteria provided, single submitter. Criteria: Invitae Variant Classification Sherloc (09022015). Collection method: clinical testing. Allele origin: germline.
Comment: This sequence change replaces threonine, which is neutral and polar, with methionine, which is neutral and non-polar, at codon 338 of the WDR34 protein (p.Thr338Met). This variant is present in population databases (no rsID available, gnomAD 0.01%). This variant has not been reported in the literature in individuals affected with WDR34-related conditions. ClinVar contains an entry for this variant (Variation ID: 842076). An algorithm developed to predict the effect of missense changes on protein structure and function (PolyPhen-2) suggests that this variant is likely to be disruptive. In summary, the available evidence is currently insufficient to determine the role of this variant in disease. Therefore, it has been classified as a Variant of Uncertain Significance.

Ambry Genetics
Classification: Uncertain significance for Inborn genetic diseases. Last evaluated: 2024-07-26. Review status: criteria provided, single submitter. Criteria: Ambry Variant Classification Scheme 2023. Collection method: clinical testing. Allele origin: germline.